The following is an entry in ClinVar:

NM_003331.5(TYK2):c.2176-296A>G

Gene: TYK2 (tyrosine kinase 2; minus strand). Cytogenetic location: 19p13.2.
Variant type: single nucleotide variant.
Coding change: c.2176-296A>G on transcript NM_003331.5 (MANE Select); 296 bases into the intron before coding-DNA position 2176, A replaced by G.
Molecular consequence: intron variant.
Genome position (GRCh38, 1-based): chr19:10,358,434, T>C on the plus strand (A>G on the coding strand, the complement: TYK2 is on the minus strand). VCF-style: chr19-10358434-T-C. GRCh37 (hg19) VCF-style: chr19-10469110-T-C.
Identifiers: ClinVar variation 675229 (VCV000675229.1), dbSNP rs569002, ClinGen allele CA16568057.

ClinVar aggregate classification (germline): Benign (1 of 4 stars; one submission).

Allele frequency attached by ClinVar (database versions not stated): gnomAD 0.04846 and 0.04499; TOPMed 0.05047; 1000 Genomes Project 0.03974; 1000 Genomes Project 30x 0.04279.
gnomAD v4.1: 6,660 of 149,518 alleles (4.5%); highest among the groups gnomAD compares: African/African-American, 15%; 462 homozygotes.

Submission:

GeneDx
Classification: Benign. Last evaluated: 2018-06-19. Review status: criteria provided, single submitter. Criteria: GeneDx Variant Classification (06012015). Collection method: clinical testing. Allele origin: germline. Affected: yes.
Comment: This variant is considered likely benign or benign based on one or more of the following criteria: it is a conservative change, it occurs at a poorly conserved position in the protein, it is predicted to be benign by multiple in silico algorithms, and/or has population frequency not consistent with disease.